The following is an entry in ClinVar:

ClinVar aggregate classification (germline): Likely benign. Review status: criteria provided, multiple submitters, no conflicts (2 of 4 stars). 3 submissions from 3 submitters: Likely benign (3). Last evaluated 2025-10-08.

Conditions:
Autosomal recessive limb-girdle muscular dystrophy type R18 (LGMDR18). Also called: Autosomal recessive limb-girdle muscular dystrophy type 2S; Limb-girdle muscular dystrophy, type 2S; MUSCULAR DYSTROPHY, LIMB-GIRDLE, AUTOSOMAL RECESSIVE 18. Identifiers: Orphanet 369840, MedGen C4517996, MONDO:0014144, OMIM 615356.

Allele frequency attached by ClinVar (database versions not stated): ExAC 0.00007; TOPMed 0.00005; ESP Exome Variant Server 0.00015; gnomAD 0.00003 and 0.00004; gnomAD exomes 0.00005.

Submissions (3):

Athena Diagnostics
Classification: Likely benign. Last evaluated: 2025-10-08. Review status: criteria provided, single submitter. Criteria: Athena Diagnostics Criteria. Collection method: clinical testing. Allele origin: unknown.
Comment: Computational tools yielded predictions that this variant is unlikely to have an effect on normal RNA splicing. This nucleotide position exhibits low evolutionary conservation.

Labcorp Genetics (formerly Invitae), Labcorp
Classification: Likely benign for Autosomal recessive limb-girdle muscular dystrophy type R18. Last evaluated: 2025-10-02. Review status: criteria provided, single submitter. Criteria: Invitae Variant Classification Sherloc (09022015). Collection method: clinical testing. Allele origin: germline.

Mayo Clinic Laboratories, Mayo Clinic
Classification: Likely benign. Last evaluated: 2025-03-26. Review status: criteria provided, single submitter. Criteria: ACMG Guidelines, 2015. Collection method: clinical testing. Allele origin: germline. Observed: 1 variant allele.
Comment: BP4, BP7

NM_021942.6(TRAPPC11):c.3018C>T (p.His1006=)

Gene: TRAPPC11 (trafficking protein particle complex subunit 11; plus strand). Cytogenetic location: 4q35.1.
Variant type: single nucleotide variant.
Coding change: c.3018C>T on transcript NM_021942.6 (MANE Select); coding-DNA position 3018, C replaced by T.
Protein change: p.His1006=; no amino-acid change (histidine 1006 retained).
Molecular consequence: synonymous variant.
Genome position (GRCh38, 1-based): chr4:183,705,033, C>T. VCF-style: chr4-183705033-C-T. GRCh37 (hg19) VCF-style: chr4-184626186-C-T.
Other names: p.His1006=; c.3018C>T, p.His1006= (NM_199053.3).
Identifiers: ClinVar variation 704753 (VCV000704753.9), dbSNP rs149934183, ClinGen allele CA3152415.